The following is an entry in ClinVar:

ClinVar aggregate classification (germline): Uncertain significance (0 of 4 stars; one submission).

Conditions:
RPS17-related condition.

Submission:

PreventionGenetics, part of Exact Sciences
Classification: Uncertain significance for RPS17-related condition. Last evaluated: 2024-07-25. Review status: no assertion criteria provided. Collection method: clinical testing. Allele origin: germline.
Comment: The RPS17 c.130A>C variant is predicted to result in the amino acid substitution p.Lys44Gln. To our knowledge, this variant has not been reported in the literature or in a large population database, indicating this variant is rare. At this time, the clinical significance of this variant is uncertain due to the absence of conclusive functional and genetic evidence.

NM_001021.6(RPS17):c.130A>C (p.Lys44Gln)

Gene: RPS17 (ribosomal protein S17; minus strand). Cytogenetic location: 15q25.2.
Variant type: single nucleotide variant.
Coding change: c.130A>C on transcript NM_001021.6 (MANE Select); coding-DNA position 130, A replaced by C.
Protein change: p.Lys44Gln; replaces lysine 44 with glutamine.
Molecular consequence: missense variant. On other transcripts: non-coding transcript variant (2).
Genome position (GRCh38, 1-based): chr15:82,540,006, T>G on the plus strand (A>C on the coding strand, the complement: RPS17 is on the minus strand). VCF-style: chr15-82540006-T-G. GRCh37 (hg19) VCF-style: chr15-82824414-T-G.
Other names: short protein forms K44Q.
Identifiers: ClinVar variation 3347383 (VCV003347383.1).